The following is an entry in ClinVar:

ClinVar aggregate classification (germline): Uncertain significance (1 of 4 stars; one submission).

Conditions:
Neuropathy, hereditary sensory, type 2C. Also called: KIF1A-Related HSAN2 (HSAN2C); Hereditary sensory and autonomic neuropathy type IIC. Identifiers: Orphanet 970, MedGen C3280168, MONDO:0013634, OMIM 614213.
Hereditary spastic paraplegia 30. Identifiers: Orphanet 101010, MedGen C5235139, MONDO:0012476.
Intellectual disability, autosomal dominant 9 (NESCAVS). Also called: KIF1A-Related Neurodevelopmental Disorder; NESCAV SYNDROME. Identifiers: Orphanet 662367, MedGen C5393830, MONDO:0013656, OMIM 614255.

Submission:

Labcorp Genetics (formerly Invitae), Labcorp
Classification: Uncertain significance for Hereditary spastic paraplegia 30; Neuropathy, hereditary sensory, type 2C; Intellectual disability, autosomal dominant 9. Last evaluated: 2024-04-24. Review status: criteria provided, single submitter. Criteria: Invitae Variant Classification Sherloc (09022015). Collection method: clinical testing. Allele origin: germline.
Comment: This sequence change replaces alanine, which is neutral and non-polar, with valine, which is neutral and non-polar, at codon 896 of the KIF1A protein (p.Ala896Val). This variant is not present in population databases (gnomAD no frequency). This variant has not been reported in the literature in individuals affected with KIF1A-related conditions. Advanced modeling of protein sequence and biophysical properties (such as structural, functional, and spatial information, amino acid conservation, physicochemical variation, residue mobility, and thermodynamic stability) has been performed at Invitae for this missense variant, however the output from this modeling did not meet the statistical confidence thresholds required to predict the impact of this variant on KIF1A protein function. In summary, the available evidence is currently insufficient to determine the role of this variant in disease. Therefore, it has been classified as a Variant of Uncertain Significance.

NM_001244008.2(KIF1A):c.2990C>T (p.Ala997Val)

Gene: KIF1A (kinesin family member 1A; minus strand). Cytogenetic location: 2q37.3.
Variant type: single nucleotide variant.
Coding change: c.2990C>T on transcript NM_001244008.2 (MANE Select); coding-DNA position 2990, C replaced by T.
Protein change: p.Ala997Val; replaces alanine 997 with valine.
Molecular consequence: missense variant.
Genome position (GRCh38, 1-based): chr2:240,747,309, G>A on the plus strand (C>T on the coding strand, the complement: KIF1A is on the minus strand). VCF-style: chr2-240747309-G-A. GRCh37 (hg19) VCF-style: chr2-241686726-G-A.
Other names: c.2714C>T, p.Ala905Val (NM_001320705.2, NM_001330289.2, NM_001379638.1); c.2789C>T, p.Ala930Val (NM_001330290.2, NM_001379634.1, NM_001379635.1 and 1 more transcripts); c.3065C>T, p.Ala1022Val (NM_001379631.1); c.2939C>T, p.Ala980Val (NM_001379632.1); c.2963C>T, p.Ala988Val (NM_001379633.1, NM_001379642.1, NM_001379645.1); c.2687C>T, p.Ala896Val (NM_001379636.1, NM_001379639.1, NM_001379640.1 and 6 more transcripts); c.2762C>T, p.Ala921Val (NM_001379637.1, NM_001379648.1); short protein forms A1022V, A896V, A905V, A921V, A930V, A980V, A988V, A997V.
Identifiers: ClinVar variation 3753704 (VCV003753704.2).